The following is an entry in ClinVar:

ClinVar aggregate classification (germline): Likely benign. Review status: criteria provided, multiple submitters, no conflicts (2 of 4 stars). 4 submissions from 4 submitters: Likely benign (3). 1 of the submissions does not count toward it. Last evaluated 2024-07-06.

Conditions:
TBX2-related disorder. Also called: TBX2-related condition.

Allele frequency attached by ClinVar (database versions not stated): gnomAD exomes 0.00016; ExAC 0.00042; gnomAD 0.00073; TOPMed 0.00086; 1000 Genomes Project 0.00100; 1000 Genomes Project 30x 0.00172.
gnomAD v4.1: 193 of 1,556,202 alleles (0.012%); highest among the groups gnomAD compares: African/African-American, 0.23%; no homozygotes.

Submissions (4):

Blueprint Genetics
Classification: Likely benign. Last evaluated: 2024-07-06. Review status: criteria provided, single submitter. Criteria: ACMG Guidelines, 2015. Collection method: clinical testing. Allele origin: germline.

Labcorp Genetics (formerly Invitae), Labcorp
Classification: Likely benign. Last evaluated: 2018-05-04. Review status: criteria provided, single submitter. Criteria: Invitae Variant Classification Sherloc (09022015). Collection method: clinical testing. Allele origin: germline.

Breakthrough Genomics
Classification: Likely benign. Review status: criteria provided, single submitter. Criteria: ACMG Guidelines, 2015. Collection method: not provided. Allele origin: germline. Inheritance: Autosomal dominant inheritance. Affected: yes.

PreventionGenetics, part of Exact Sciences
Classification: Likely benign for TBX2-related condition. Last evaluated: 2019-02-20. Review status: no assertion criteria provided. Collection method: clinical testing. Allele origin: germline. Not counted in ClinVar's aggregate classification.
Comment: This variant is classified as likely benign based on ACMG/AMP sequence variant interpretation guidelines (Richards et al. 2015 PMID: 25741868, with internal and published modifications).

NM_005994.4(TBX2):c.1005C>A (p.Thr335=)

Gene: TBX2 (T-box transcription factor 2; plus strand). Cytogenetic location: 17q23.2.
Variant type: single nucleotide variant.
Coding change: c.1005C>A on transcript NM_005994.4 (MANE Select); coding-DNA position 1005, C replaced by A.
Protein change: p.Thr335=; no amino-acid change (threonine 335 retained).
Molecular consequence: synonymous variant.
Genome position (GRCh38, 1-based): chr17:61,404,723, C>A. VCF-style: chr17-61404723-C-A. GRCh37 (hg19) VCF-style: chr17-59482084-C-A.
Identifiers: ClinVar variation 736805 (VCV000736805.7), dbSNP rs552679366, ClinGen allele CA8689268.